The following is an entry in ClinVar:

NM_000095.3(COMP):c.1123_1128del (p.Ile375_Asp376del)

Gene: COMP (cartilage oligomeric matrix protein; minus strand). Cytogenetic location: 19p13.11.
Variant type: Deletion.
Coding change: c.1123_1128del on transcript NM_000095.3 (MANE Select); coding-DNA positions 1123 to 1128, 6 bases deleted (ATCGAC; older notation c.1123_1128delATCGAC).
Protein change: p.Ile375_Asp376del.
Molecular consequence: inframe deletion.
Genome position (GRCh38, 1-based): chr19:18,787,498-18,787,503, GTCGAT deleted on the plus strand (ATCGAC on the coding strand, the reverse complement: COMP is on the minus strand); deleting any 6 consecutive bases within chr19:18,787,498-18,787,507 gives the same sequence; the c. name uses the placement nearest the transcript's 3' end. VCF-style (leftmost placement, unchanged base first): chr19-18787497-CGTCGAT-C. GRCh37 (hg19) VCF-style: chr19-18898306-CGTCGAT-C.
Identifiers: ClinVar variation 2089820 (VCV002089820.4), dbSNP rs2512850022, ClinGen allele CA2580096748.

ClinVar aggregate classification (germline): Uncertain significance (1 of 4 stars; one submission).

Submission:

Labcorp Genetics (formerly Invitae), Labcorp
Classification: Uncertain significance. Last evaluated: 2022-01-26. Review status: criteria provided, single submitter. Criteria: Invitae Variant Classification Sherloc (09022015). Collection method: clinical testing. Allele origin: germline.
Comment: In summary, the available evidence is currently insufficient to determine the role of this variant in disease. Therefore, it has been classified as a Variant of Uncertain Significance. Experimental studies and prediction algorithms are not available or were not evaluated, and the functional significance of this variant is currently unknown. This variant has been observed in individual(s) with COMP-related conditions (Invitae). This variant is not present in population databases (gnomAD no frequency). This variant, c.1123_1128del, results in the deletion of 2 amino acid(s) of the COMP protein (p.Ile375_Asp376del), but otherwise preserves the integrity of the reading frame.